The following is an entry in ClinVar:

ClinVar aggregate classification (germline): Benign. Review status: criteria provided, multiple submitters, no conflicts (2 of 4 stars). 3 submissions from 3 submitters: Benign (2). 1 of the submissions does not count toward it. Last evaluated 2019-12-31.

Allele frequency attached by ClinVar (database versions not stated): gnomAD 0.01482 and 0.01356; TOPMed 0.01544; gnomAD exomes 0.00129 and 0.00324; ExAC 0.00420; 1000 Genomes Project 30x 0.01140; ESP Exome Variant Server 0.01668; 1000 Genomes Project 0.01158.
gnomAD v4.1: 4,030 of 1,614,070 alleles (0.25%); highest among the groups gnomAD compares: African/African-American, 4.8%; 87 homozygotes.

Submissions (3):

Labcorp Genetics (formerly Invitae), Labcorp
Classification: Benign. Last evaluated: 2019-12-31. Review status: criteria provided, single submitter. Criteria: Invitae Variant Classification Sherloc (09022015). Collection method: clinical testing. Allele origin: germline.

Breakthrough Genomics
Classification: Benign. Review status: criteria provided, single submitter. Criteria: ACMG Guidelines, 2015. Collection method: not provided. Allele origin: germline. Inheritance: Autosomal dominant inheritance. Affected: yes.

Genetic Services Laboratory, University of Chicago
Classification: Likely benign for AllHighlyPenetrant. Review status: no assertion criteria provided. Collection method: clinical testing. Allele origin: germline. Inheritance: Autosomal dominant inheritance. Not counted in ClinVar's aggregate classification.
Comment: Likely benign based on allele frequency in 1000 Genomes Project or ESP global frequency and its presence in a patient with a rare or unrelated disease phenotype. NOT Sanger confirmed.

NM_012156.2(EPB41L1):c.555A>G (p.Glu185=)

Gene: EPB41L1 (erythrocyte membrane protein band 4.1 like 1; plus strand). Cytogenetic location: 20q11.23.
Variant type: single nucleotide variant.
Coding change: c.555A>G on transcript NM_012156.2 (MANE Select); coding-DNA position 555, A replaced by G.
Protein change: p.Glu185=; no amino-acid change (glutamic acid 185 retained).
Molecular consequence: synonymous variant.
Genome position (GRCh38, 1-based): chr20:36,182,336, A>G. VCF-style: chr20-36182336-A-G. GRCh37 (hg19) VCF-style: chr20-34770258-A-G.
Other names: c.555A>G, p.Glu185= (NM_001258329.1); c.462A>G, p.Glu154= (NM_001258330.1); c.369A>G, p.Glu123= (NM_001258331.2, NM_177996.2).
Identifiers: ClinVar variation 129001 (VCV000129001.11), dbSNP rs116334224, ClinGen allele CA152746.